The following is an entry in ClinVar:

NM_182961.4(SYNE1):c.14552A>T (p.Tyr4851Phe)

Gene: SYNE1 (spectrin repeat containing nuclear envelope protein 1; minus strand). Cytogenetic location: 6q25.2.
Variant type: single nucleotide variant.
Coding change: c.14552A>T on transcript NM_182961.4 (MANE Select); coding-DNA position 14552, A replaced by T.
Protein change: p.Tyr4851Phe; replaces tyrosine 4851 with phenylalanine.
Molecular consequence: missense variant.
Genome position (GRCh38, 1-based): chr6:152,330,133, T>A on the plus strand (A>T on the coding strand, the complement: SYNE1 is on the minus strand). VCF-style: chr6-152330133-T-A. GRCh37 (hg19) VCF-style: chr6-152651268-T-A.
Other names: c.14339A>T, p.Tyr4780Phe (NM_033071.5); short protein forms Y4780F, Y4851F.
Identifiers: ClinVar variation 3603091 (VCV003603091.1).

ClinVar aggregate classification (germline): Uncertain significance (1 of 4 stars; one submission).

gnomAD v4.1: 1 of 1,614,220 alleles (0.000062%); highest among the groups gnomAD compares: Non-Finnish European, 0.000085%; no homozygotes.

Submission:

GeneDx
Classification: Uncertain significance. Last evaluated: 2024-08-05. Review status: criteria provided, single submitter. Criteria: GeneDx Variant Classification Process June 2021. Collection method: clinical testing. Allele origin: germline. Affected: yes.
Comment: Not observed at significant frequency in large population cohorts (gnomAD); In silico analysis indicates that this missense variant does not alter protein structure/function; Has not been previously published as pathogenic or benign to our knowledge